The following is an entry in ClinVar:

NM_005918.4(MDH2):c.160A>G (p.Thr54Ala)

Gene: MDH2 (malate dehydrogenase 2; plus strand). Cytogenetic location: 7q11.23.
Variant type: single nucleotide variant.
Coding change: c.160A>G on transcript NM_005918.4 (MANE Select); coding-DNA position 160, A replaced by G.
Protein change: p.Thr54Ala; replaces threonine 54 with alanine.
Molecular consequence: missense variant. On other transcripts: intron variant (1).
Genome position (GRCh38, 1-based): chr7:76,054,923, A>G. VCF-style: chr7-76054923-A-G. GRCh37 (hg19) VCF-style: chr7-75684241-A-G.
Other names: c.160A>G, p.Thr54Ala (NM_001282403.2); c.-86-2487A>G (NM_001282404.2); short protein forms T54A.
Identifiers: ClinVar variation 1776353 (VCV001776353.2), dbSNP rs2535852779, ClinGen allele CA367762491.
Genomic context (GRCh38, chr7:76,054,923, plus strand): 5'-GGAGGCATCGGGCAGCCACTTTCACTTCTCCTGAAGAACAGCCCCTTGGTGAGCCGCCTG[A>G]CCCTCTATGATATCGCGCACACACCCGGAGTGGCCGCAGATCTGAGCCACATCGAGACCA-3'
Protein context (NP_005909.2, residues 44-64): LKNSPLVSRL[Thr54Ala]LYDIAHTPGV

ClinVar aggregate classification (germline): Uncertain significance (1 of 4 stars; one submission).

Conditions:
Inborn genetic diseases. Identifiers: MedGen C0950123, MeSH D030342.

Submission:

Ambry Genetics
Classification: Uncertain significance for Inborn genetic diseases. Last evaluated: 2021-12-20. Review status: criteria provided, single submitter. Criteria: Ambry Variant Classification Scheme 2023. Collection method: clinical testing. Allele origin: germline.
Comment: The p.T54A variant (also known as c.160A>G), located in coding exon 2 of the MDH2 gene, results from an A to G substitution at nucleotide position 160. The threonine at codon 54 is replaced by alanine, an amino acid with similar properties. This amino acid position is conserved. In addition, this alteration is predicted to be tolerated by in silico analysis. Since supporting evidence is limited at this time, the clinical significance of this alteration remains unclear.